The following is an entry in ClinVar:

ClinVar aggregate classification (germline): Uncertain significance (1 of 4 stars; one submission).

Allele frequency attached by ClinVar (database versions not stated): TOPMed below 0.00001; ExAC 0.00001; gnomAD exomes 0.00001; 1000 Genomes Project 30x 0.00016; 1000 Genomes Project 0.00020.

Submission:

Labcorp Genetics (formerly Invitae), Labcorp
Classification: Uncertain significance. Last evaluated: 2023-01-23. Review status: criteria provided, single submitter. Criteria: Invitae Variant Classification Sherloc (09022015). Collection method: clinical testing. Allele origin: germline.
Comment: In summary, the available evidence is currently insufficient to determine the role of this variant in disease. Therefore, it has been classified as a Variant of Uncertain Significance. Advanced modeling of protein sequence and biophysical properties (such as structural, functional, and spatial information, amino acid conservation, physicochemical variation, residue mobility, and thermodynamic stability) performed at Invitae indicates that this missense variant is not expected to disrupt CACNA1G protein function. This variant has not been reported in the literature in individuals affected with CACNA1G-related conditions. This variant is present in population databases (rs558394291, gnomAD 0.0009%). This sequence change replaces threonine, which is neutral and polar, with methionine, which is neutral and non-polar, at codon 2044 of the CACNA1G protein (p.Thr2044Met).

NM_018896.5(CACNA1G):c.6131C>T (p.Thr2044Met)

Gene: CACNA1G (calcium voltage-gated channel subunit alpha1 G; plus strand). Cytogenetic location: 17q21.33.
Variant type: single nucleotide variant.
Coding change: c.6131C>T on transcript NM_018896.5 (MANE Select); coding-DNA position 6131, C replaced by T.
Protein change: p.Thr2044Met; replaces threonine 2044 with methionine.
Molecular consequence: missense variant. On other transcripts: non-coding transcript variant (5).
Genome position (GRCh38, 1-based): chr17:50,623,977, C>T. VCF-style: chr17-50623977-C-T. GRCh37 (hg19) VCF-style: chr17-48701338-C-T.
Other names: c.5942C>T, p.Thr1981Met (NM_001256324.2); c.5873C>T, p.Thr1958Met (NM_001256325.2); c.5861C>T, p.Thr1954Met (NM_001256326.2); c.5831C>T, p.Thr1944Met (NM_001256327.2); c.5777C>T, p.Thr1926Met (NM_001256328.2); c.5750C>T, p.Thr1917Met (NM_001256329.2, NM_198376.3, NM_198387.3); c.5717C>T, p.Thr1906Met (NM_001256330.2); c.5696C>T, p.Thr1899Met (NM_001256331.2); and 15 more; short protein forms T1915M, T1944M, T2033M, T2044M, T1894M, T1926M, T1899M, T1906M.
Identifiers: ClinVar variation 2984426 (VCV002984426.3), dbSNP rs558394291, ClinGen allele CA8653588.